The following is an entry in ClinVar:

ClinVar aggregate classification (germline): Benign. Review status: criteria provided, multiple submitters, no conflicts (2 of 4 stars). 5 submissions from 5 submitters: Benign (5). Last evaluated 2026-02-01.

Conditions:
Renal tubular dysgenesis. Also called: Renotubular dysgenesis. Identifiers: Orphanet 3033, MedGen C0266313, MONDO:0017609, HP:0008660.

Allele frequency attached by ClinVar (database versions not stated): gnomAD exomes 0.02078; ExAC 0.03064; gnomAD 0.05562 and 0.05754; ESP Exome Variant Server 0.05960; TOPMed 0.06246; 1000 Genomes Project 0.07688; 1000 Genomes Project 30x 0.07979.
gnomAD v4.1: 21,429 of 1,603,872 alleles (1.3%); highest among the groups gnomAD compares: African/African-American, 19%; 1,546 homozygotes.

Submissions (5):

Labcorp Genetics (formerly Invitae), Labcorp
Classification: Benign. Last evaluated: 2026-02-01. Review status: criteria provided, single submitter. Criteria: Invitae Variant Classification Sherloc (09022015). Collection method: clinical testing. Allele origin: germline.

GeneDx
Classification: Benign. Last evaluated: 2021-06-21. Review status: criteria provided, single submitter. Criteria: GeneDx Variant Classification Process June 2021. Collection method: clinical testing. Allele origin: germline. Affected: yes.

Illumina Laboratory Services, Illumina
Classification: Benign for Renal tubular dysgenesis of genetic origin. Last evaluated: 2018-01-13. Review status: criteria provided, single submitter. Criteria: ICSL Variant Classification Criteria 13 December 2019. Collection method: clinical testing. Allele origin: germline.
Comment: This variant was observed in the ICSL laboratory as part of a predisposition screen in an ostensibly healthy population. It had not been previously curated by ICSL or reported in the Human Gene Mutation Database (HGMD: prior to June 1st, 2018), and was therefore a candidate for classification through an automated scoring system. Utilizing variant allele frequency, disease prevalence and penetrance estimates, and inheritance mode, an automated score was calculated to assess if this variant is too frequent to cause the disease. Based on the score and internal cut-off values, a variant classified as benign is not then subjected to further curation. The score for this variant resulted in a classification of benign for this disease.

Breakthrough Genomics
Classification: Benign. Review status: criteria provided, single submitter. Criteria: ACMG Guidelines, 2015. Collection method: not provided. Allele origin: germline. Inheritance: Autosomal recessive inheritance. Affected: yes.

PreventionGenetics, part of Exact Sciences
Classification: Benign. Review status: criteria provided, single submitter. Criteria: ACMG Guidelines, 2015. Collection method: clinical testing. Allele origin: germline.

NM_000789.4(ACE):c.655+13C>T

Gene: ACE (angiotensin I converting enzyme; plus strand). Cytogenetic location: 17q23.3.
Variant type: single nucleotide variant.
Coding change: c.655+13C>T on transcript NM_000789.4 (MANE Select); 13 bases into the intron after coding-DNA position 655, C replaced by T.
Molecular consequence: intron variant.
Genome position (GRCh38, 1-based): chr17:63,479,925, C>T. VCF-style: chr17-63479925-C-T. GRCh37 (hg19) VCF-style: chr17-61557286-C-T.
Identifiers: ClinVar variation 256810 (VCV000256810.16), dbSNP rs4300, ClinGen allele CA8699168.